The following is an entry in ClinVar:

ClinVar aggregate classification (germline): Uncertain significance (1 of 4 stars; one submission).

Conditions:
Familial melanoma. Also called: Hereditary melanoma; Hereditary cutaneous melanoma. Identifiers: Orphanet 618, MedGen C1512419, MONDO:0018961.

Submission:

Labcorp Genetics (formerly Invitae), Labcorp
Classification: Uncertain significance for Familial melanoma. Last evaluated: 2024-02-14. Review status: criteria provided, single submitter. Criteria: Invitae Variant Classification Sherloc (09022015). Collection method: clinical testing. Allele origin: germline.
Comment: This sequence change replaces arginine, which is basic and polar, with leucine, which is neutral and non-polar, at codon 85 of the CDK4 protein (p.Arg85Leu). This variant is not present in population databases (gnomAD no frequency). This variant has not been reported in the literature in individuals affected with CDK4-related conditions. Advanced modeling of protein sequence and biophysical properties (such as structural, functional, and spatial information, amino acid conservation, physicochemical variation, residue mobility, and thermodynamic stability) performed at Invitae indicates that this missense variant is not expected to disrupt CDK4 protein function with a negative predictive value of 95%. In summary, the available evidence is currently insufficient to determine the role of this variant in disease. Therefore, it has been classified as a Variant of Uncertain Significance.

NM_000075.4(CDK4):c.254G>T (p.Arg85Leu)

Gene: CDK4 (cyclin dependent kinase 4; minus strand). Cytogenetic location: 12q14.1.
Variant type: single nucleotide variant.
Coding change: c.254G>T on transcript NM_000075.4 (MANE Select); coding-DNA position 254, G replaced by T.
Protein change: p.Arg85Leu; replaces arginine 85 with leucine.
Molecular consequence: missense variant.
Genome position (GRCh38, 1-based): chr12:57,751,307, C>A on the plus strand (G>T on the coding strand, the complement: CDK4 is on the minus strand). VCF-style: chr12-57751307-C-A. GRCh37 (hg19) VCF-style: chr12-58145090-C-A.
Other names: short protein forms R85L.
Identifiers: ClinVar variation 3632442 (VCV003632442.2).